The following is an entry in ClinVar:

NM_000091.5(COL4A3):c.1350T>A (p.Asp450Glu)

Genes: COL4A3 (collagen type IV alpha 3 chain; plus strand), MFF-DT (MFF divergent transcript; minus strand). Cytogenetic location: 2q36.3.
Variant type: single nucleotide variant.
Coding change: c.1350T>A on transcript NM_000091.5 (MANE Select); coding-DNA position 1350, T replaced by A.
Protein change: p.Asp450Glu; replaces aspartic acid 450 with glutamic acid.
Molecular consequence: missense variant.
Genome position (GRCh38, 1-based): chr2:227,266,451, T>A. VCF-style: chr2-227266451-T-A. GRCh37 (hg19) VCF-style: chr2-228131167-T-A.
Other names: short protein forms D450E.
Identifiers: ClinVar variation 1506826 (VCV001506826.5), dbSNP rs2125981065, ClinGen allele CA350870111.

ClinVar aggregate classification (germline): Uncertain significance (1 of 4 stars; one submission).

Submission:

Labcorp Genetics (formerly Invitae), Labcorp
Classification: Uncertain significance. Last evaluated: 2025-01-23. Review status: criteria provided, single submitter. Criteria: Invitae Variant Classification Sherloc (09022015). Collection method: clinical testing. Allele origin: germline.
Comment: This sequence change replaces aspartic acid, which is acidic and polar, with glutamic acid, which is acidic and polar, at codon 450 of the COL4A3 protein (p.Asp450Glu). This variant is not present in population databases (gnomAD no frequency). This variant has not been reported in the literature in individuals affected with COL4A3-related conditions. ClinVar contains an entry for this variant (Variation ID: 1506826). Invitae Evidence Modeling of protein sequence and biophysical properties (such as structural, functional, and spatial information, amino acid conservation, physicochemical variation, residue mobility, and thermodynamic stability) indicates that this missense variant is not expected to disrupt COL4A3 protein function with a negative predictive value of 95%. In summary, the available evidence is currently insufficient to determine the role of this variant in disease. Therefore, it has been classified as a Variant of Uncertain Significance.